The following is an entry in ClinVar:

ClinVar aggregate classification (germline): Uncertain significance (1 of 4 stars; one submission).

Allele frequency attached by ClinVar (database versions not stated): gnomAD 0.00001.
gnomAD v4.1: 62 of 1,568,878 alleles (0.004%); highest among the groups gnomAD compares: Middle Eastern, 0.023%; no homozygotes.

Submission:

Labcorp Genetics (formerly Invitae), Labcorp
Classification: Uncertain significance. Last evaluated: 2025-06-18. Review status: criteria provided, single submitter. Criteria: Invitae Variant Classification Sherloc (09022015). Collection method: clinical testing. Allele origin: germline.
Comment: This variant occurs in a non-coding region of the ANKRD26 gene. It does not change the encoded amino acid sequence of the ANKRD26 protein. This variant is not present in population databases (gnomAD no frequency). This variant has not been reported in the literature in individuals affected with ANKRD26-related conditions. ClinVar contains an entry for this variant (Variation ID: 2956300). In summary, the available evidence is currently insufficient to determine the role of this variant in disease. Therefore, it has been classified as a Variant of Uncertain Significance.

NM_014915.3(ANKRD26):c.-83G>T

Gene: ANKRD26 (ankyrin repeat domain 26; minus strand). Cytogenetic location: 10p12.1.
Variant type: single nucleotide variant.
Coding change: c.-83G>T on transcript NM_014915.3 (MANE Select); 83 bases upstream of the start codon, G replaced by T.
Molecular consequence: 5 prime UTR variant.
Genome position (GRCh38, 1-based): chr10:27,100,409, C>A on the plus strand (G>T on the coding strand, the complement: ANKRD26 is on the minus strand). VCF-style: chr10-27100409-C-A. GRCh37 (hg19) VCF-style: chr10-27389338-C-A.
Other names: c.-83G>T (NM_001256053.2).
Identifiers: ClinVar variation 2956300 (VCV002956300.3), dbSNP rs754032631, ClinGen allele CA204453790.
Genomic context (GRCh38, chr10:27,100,409, plus strand): 5'-AGACACCTCATGTCTCTCTCGGCTCTTAACGGCCTCCGGAGCCCAACATAACAAGTCAGC[C>A]CCGGCTGGCCGCAGCCTCCCAAAGGAAACTCCGCGGTTTCCAATCTCTCCCTCCGGGTTA-3'